The following is an entry in ClinVar:

NM_002890.3(RASA1):c.2523_2529del (p.Asn842fs)

Genes: CCNH (cyclin H; minus strand), RASA1 (RAS p21 protein activator 1; plus strand). Cytogenetic location: 5q14.3.
Variant type: Deletion.
Coding change: c.2523_2529del on transcript NM_002890.3 (MANE Select); coding-DNA positions 2523 to 2529, 7 bases deleted (GAACACT; older notation c.2523_2529delGAACACT).
Protein change: p.Asn842fs; shifts the reading frame from asparagine 842.
Molecular consequence: frameshift variant. On other transcripts: intron variant (1).
Genome position (GRCh38, 1-based): chr5:87,379,770-87,379,776, GAACACT deleted; deleting any 7 consecutive bases within chr5:87,379,769-87,379,776 gives the same sequence; the c. name uses the placement nearest the transcript's 3' end. VCF-style (leftmost placement, unchanged base first): chr5-87379768-GTGAACAC-G. GRCh37 (hg19) VCF-style: chr5-86675585-GTGAACAC-G.
Other names: c.1992_1998del, p.Asn665fs (NM_022650.3); c.933+15269_933+15275del (NM_001364075.2); short protein forms N665fs, N842fs.
Identifiers: ClinVar variation 3729008 (VCV003729008.2).

ClinVar aggregate classification (germline): Pathogenic (1 of 4 stars; one submission).

Conditions:
Capillary malformation-arteriovenous malformation syndrome. Also called: Capillary malformation-arteriovenous malformation. Identifiers: Orphanet 137667, MedGen C1842180, MONDO:0012016.

Submission:

Labcorp Genetics (formerly Invitae), Labcorp
Classification: Pathogenic for Capillary malformation-arteriovenous malformation syndrome. Last evaluated: 2025-02-03. Review status: criteria provided, single submitter. Criteria: Invitae Variant Classification Sherloc (09022015). Collection method: clinical testing. Allele origin: germline.
Comment: This sequence change creates a premature translational stop signal (p.Asn842Ilefs*2) in the RASA1 gene. It is expected to result in an absent or disrupted protein product. Loss-of-function variants in RASA1 are known to be pathogenic (PMID: 24038909). This variant is not present in population databases (gnomAD no frequency). This variant has not been reported in the literature in individuals affected with RASA1-related conditions. Algorithms developed to predict the effect of sequence changes on RNA splicing suggest that this variant may disrupt the consensus splice site. For these reasons, this variant has been classified as Pathogenic.

Literature cited by the submitters: PubMed 24038909.